The following is an entry in ClinVar:

ClinVar aggregate classification (germline): Conflicting classifications of pathogenicity. Review status: criteria provided, conflicting classifications (1 of 4 stars). 5 submissions from 5 submitters: Uncertain significance (3); Likely benign (2). Last evaluated 2025-12-12.

Conditions:
Intellectual disability, X-linked, with or without seizures, ARX-related. Also called: Mental retardation, X-linked 52; INTELLECTUAL DEVELOPMENTAL DISORDER, X-LINKED 29; MENTAL RETARDATION, X-LINKED 29; MENTAL RETARDATION, X-LINKED 32; MENTAL RETARDATION, X-LINKED 33; MENTAL RETARDATION, X-LINKED 38. Identifiers: Orphanet 777, MedGen C0796244, MONDO:0010317, OMIM 300419.
Developmental and epileptic encephalopathy, 1 (DEE1). Also called: Epileptic encephalopathy, early infantile, 1; X-linked infantile spasms; West's syndrome; Tonic spasms with clustering, arrest of psychomotor development and hypsarrhythmia on EEG; X-Linked Infantile Spasm Syndrome; INFANTILE SPASM SYNDROME, X-LINKED 1. Identifiers: MedGen C3463992, MONDO:0010632, OMIM 308350. Disease mechanism: loss of function.
X-linked lissencephaly with abnormal genitalia. Identifiers: Orphanet 452, MedGen C1846171, MONDO:0010268, OMIM 300215.
Corpus callosum agenesis-abnormal genitalia syndrome. Also called: ACC WITH ABNORMAL GENITALIA; PROUD SYNDROME. Identifiers: Orphanet 2508, MedGen C0796124, MONDO:0010224, OMIM 300004.
Partington syndrome (PRTS). Also called: MENTAL RETARDATION, X-LINKED 36; MENTAL RETARDATION, X-LINKED, SYNDROMIC 1; MENTAL RETARDATION, X-LINKED, WITH DYSTONIC MOVEMENTS, ATAXIA, AND SEIZURES; Mental retardation-dystonic movements-ataxia-seizures syndrome. Identifiers: Orphanet 94083, MedGen C0796250, MONDO:0010654, OMIM 309510.

Allele frequency attached by ClinVar (database versions not stated): gnomAD exomes below 0.00001 and 0.00001; gnomAD 0.00001; ExAC 0.00003; TOPMed 0.00004.
gnomAD v4.1: 4 of 1,209,363 alleles (0.00033%); highest among the groups gnomAD compares: Admixed American, 0.0065%; no homozygotes.

Submissions (5):

Labcorp Genetics (formerly Invitae), Labcorp
Classification: Likely benign for Developmental and epileptic encephalopathy, 1; Intellectual disability, X-linked, with or without seizures, ARX-related. Last evaluated: 2025-12-12. Review status: criteria provided, single submitter. Criteria: Invitae Variant Classification Sherloc (09022015). Collection method: clinical testing. Allele origin: germline.

ARUP Laboratories, Molecular Genetics and Genomics, ARUP Laboratories
Classification: Uncertain significance. Last evaluated: 2024-10-28. Review status: criteria provided, single submitter. Criteria: ARUP Molecular Germline Variant Investigation Process 2024. Collection method: clinical testing. Allele origin: germline.

GeneDx
Classification: Likely benign. Last evaluated: 2021-03-02. Review status: criteria provided, single submitter. Criteria: GeneDx Variant Classification Process June 2021. Collection method: clinical testing. Allele origin: germline. Affected: yes.
Comment: In silico analysis supports that this missense variant does not alter protein structure/function; Has not been previously published as pathogenic or benign to our knowledge

Fulgent Genetics
Classification: Uncertain significance for Corpus callosum agenesis-abnormal genitalia syndrome; X-linked lissencephaly with abnormal genitalia; Intellectual disability, X-linked, with or without seizures, ARX-related; Developmental and epileptic encephalopathy, 1; Partington syndrome. Last evaluated: 2018-10-31. Review status: criteria provided, single submitter. Criteria: ACMG Guidelines, 2015. Collection method: clinical testing. Allele origin: unknown.

Women's Health and Genetics/Laboratory Corporation of America, LabCorp
Classification: Uncertain significance. Last evaluated: 2017-11-07. Review status: criteria provided, single submitter. Criteria: LabCorp Variant Classification Summary - May 2015. Collection method: clinical testing. Allele origin: germline.
Comment: Variant Summary: The ARX c.187G>A (p.Ala63Thr) variant causes a missense change involving the alteration of a non-conserved nucleotide and 3/4 in silico tools (SNPsandGO not captured here due to low reliability index) predict a "benign" outcome. However, these predictions have yet to be functionally assessed. The variant of interest has been observed in the large, broad control population, ExAC, with an allele frequency of 0.00003175 (2/62990), predominantly observed in the Latino population at a frequency of 0.0002661(2/7517, including 1 hemizygote). This frequency does not exceed the estimated maximum expected allele frequency for a pathogenic ARX variant of 0.00141. The variant of interest has not, to our knowledge, been reported in affected individuals via publications and/or reputable databases/clinical diagnostic laboratories. Therefore, until additional information becomes available (ie, clinical and/or functional studies), the variant of interest has been classified as a "Variant of Uncertain Significance (VUS)."

NM_139058.3(ARX):c.187G>A (p.Ala63Thr)

Gene: ARX (aristaless related homeobox; minus strand). Cytogenetic location: Xp21.3.
Variant type: single nucleotide variant.
Coding change: c.187G>A on transcript NM_139058.3 (MANE Select); coding-DNA position 187, G replaced by A.
Protein change: p.Ala63Thr; replaces alanine 63 with threonine.
Molecular consequence: missense variant.
Genome position (GRCh38, 1-based): chrX:25,015,551, C>T on the plus strand (G>A on the coding strand, the complement: ARX is on the minus strand). VCF-style: chrX-25015551-C-T. GRCh37 (hg19) VCF-style: chrX-25033668-C-T.
Other names: short protein forms A63T.
Identifiers: ClinVar variation 581240 (VCV000581240.11), dbSNP rs769996976, ClinGen allele CA10373904.
Genomic context (GRCh38, chrX:25,015,551, plus strand): 5'-CCAAATCAGGGCCCAATGCCCTTAGTAAGTGCCTGACGGGAGCATCCTTACCTTGCACGG[C>T]CTTTTCCGGGTCGGCGCGGCTGGTCAGCGGAGCAGGCAAGCTCTGCGCGGCTCCCAGCAA-3'
Protein context (NP_620689.1, residues 53-73): PLTSRADPEK[Ala63Thr]VQGSPKSSSA